The following is an entry in ClinVar:

NM_001287.6(CLCN7):c.1763T>C (p.Met588Thr)

Gene: CLCN7 (chloride voltage-gated channel 7; minus strand). Cytogenetic location: 16p13.3.
Variant type: single nucleotide variant.
Coding change: c.1763T>C on transcript NM_001287.6 (MANE Select); coding-DNA position 1763, T replaced by C.
Protein change: p.Met588Thr; replaces methionine 588 with threonine.
Molecular consequence: missense variant.
Genome position (GRCh38, 1-based): chr16:1,449,000, A>G on the plus strand (T>C on the coding strand, the complement: CLCN7 is on the minus strand). VCF-style: chr16-1449000-A-G. GRCh37 (hg19) VCF-style: chr16-1499001-A-G.
Other names: c.1691T>C, p.Met564Thr (NM_001114331.3); short protein forms M564T, M588T.
Identifiers: ClinVar variation 1313182 (VCV001313182.2), dbSNP rs746112826, ClinGen allele CA394186632.
Genomic context (GRCh38, chr16:1,449,000, plus strand): 5'-GGTGAGGCTTCGAGGCCCTGGCGCACCTCAATGAAGACGTCGCCCACGATCTTGGCGGTC[A>G]TGAGCACCAGCATGATGGGGAAGCCGTAGGTCACGTTGCTGGTGGCCTCCATCATGATGA-3'
Protein context (NP_001278.1, residues 578-598): TYGFPIMLVL[Met588Thr]TAKIVGDVFI

ClinVar aggregate classification (germline): Uncertain significance (1 of 4 stars; one submission).

Allele frequency attached by ClinVar (database versions not stated): TOPMed below 0.00001; gnomAD 0.00001.

Submission:

GeneDx
Classification: Uncertain significance. Last evaluated: 2020-09-09. Review status: criteria provided, single submitter. Criteria: GeneDx Variant Classification Process June 2021. Collection method: clinical testing. Allele origin: germline. Affected: yes.
Comment: Not observed in large population cohorts (Lek et al., 2016); In silico analysis supports that this missense variant has a deleterious effect on protein structure/function; Has not been previously published as pathogenic or benign to our knowledge